The following is an entry in ClinVar:

NM_015100.4(POGZ):c.3743C>G (p.Thr1248Ser)

Gene: POGZ (pogo transposable element derived with ZNF domain; minus strand). Cytogenetic location: 1q21.3.
Variant type: single nucleotide variant.
Coding change: c.3743C>G on transcript NM_015100.4 (MANE Select); coding-DNA position 3743, C replaced by G.
Protein change: p.Thr1248Ser; replaces threonine 1248 with serine.
Molecular consequence: missense variant.
Genome position (GRCh38, 1-based): chr1:151,405,292, G>C on the plus strand (C>G on the coding strand, the complement: POGZ is on the minus strand). VCF-style: chr1-151405292-G-C. GRCh37 (hg19) VCF-style: chr1-151377768-G-C.
Other names: c.3716C>G, p.Thr1239Ser (NM_001194937.2); c.3557C>G, p.Thr1186Ser (NM_001194938.2); c.3764C>G, p.Thr1255Ser (NM_001410860.1); c.3458C>G, p.Thr1153Ser (NM_145796.4); c.3584C>G, p.Thr1195Ser (NM_207171.2); short protein forms T1153S, T1186S, T1195S, T1239S, T1248S, T1255S.
Identifiers: ClinVar variation 3252307 (VCV003252307.1), dbSNP rs2529197260.
Genomic context (GRCh38, chr1:151,405,292, plus strand): 5'-ATGCATACATCTAATGGCTGAATTTTGGAGCTACAGCCTGCTGGGACCACTGCAGGCAAA[G>C]TGCTAGAGGCACTAAGCATAGCCAGTACCTCTTCTGACAAGTGAGTGCGATGACAGTCCA-3'
Protein context (NP_055915.2, residues 1238-1258): EVLAMLSASS[Thr1248Ser]LPAVVPAGCS

ClinVar aggregate classification (germline): Uncertain significance (1 of 4 stars; one submission).

Submission:

GeneDx
Classification: Uncertain significance. Last evaluated: 2023-12-07. Review status: criteria provided, single submitter. Criteria: GeneDx Variant Classification Process June 2021. Collection method: clinical testing. Allele origin: germline. Affected: yes.
Comment: Has not been previously published as pathogenic or benign to our knowledge; Not observed at significant frequency in large population cohorts (gnomAD); In silico analysis supports that this missense variant does not alter protein structure/function